The following is an entry in ClinVar:

ClinVar aggregate classification (germline): Benign/Likely benign. Review status: criteria provided, multiple submitters, no conflicts (2 of 4 stars). 2 submissions from 2 submitters: Benign (1); Likely benign (1). Last evaluated 2024-07-30.

Conditions:
Hereditary cancer-predisposing syndrome. Also called: Neoplastic Syndromes, Hereditary; Tumor predisposition; Hereditary neoplastic syndrome; Hereditary Cancer Syndrome. Identifiers: Orphanet 140162, MedGen C0027672, MeSH D009386, MONDO:0015356.
Familial cancer of breast. Also called: BREAST CANCER, FAMILIAL; Hereditary breast cancer; hereditary breast carcinoma. Identifiers: Orphanet 227535, MedGen C0346153, MONDO:0016419, OMIM 114480. Disease mechanism: loss of function.

Submissions (2):

Myriad Genetics, Inc.
Classification: Benign for Familial cancer of breast. Last evaluated: 2024-07-30. Review status: criteria provided, single submitter. Criteria: Myriad Autosomal Dominant, Autosomal Recessive and X-Linked Classification Criteria (2023). Collection method: clinical testing. Allele origin: unknown.
Comment: This variant is considered benign. This variant is a silent/synonymous amino acid change and it is not expected to impact splicing.

Ambry Genetics
Classification: Likely benign for Hereditary cancer-predisposing syndrome. Last evaluated: 2023-10-06. Review status: criteria provided, single submitter. Criteria: Ambry Variant Classification Scheme 2023. Collection method: clinical testing. Allele origin: germline.

NM_000465.4(BARD1):c.2322T>G (p.Pro774=)

Gene: BARD1 (BRCA1 associated RING domain 1; minus strand). Cytogenetic location: 2q35.
Variant type: single nucleotide variant.
Coding change: c.2322T>G on transcript NM_000465.4 (MANE Select); coding-DNA position 2322, T replaced by G.
Protein change: p.Pro774=; no amino-acid change (proline 774 retained).
Molecular consequence: synonymous variant. On other transcripts: non-coding transcript variant (3).
Genome position (GRCh38, 1-based): chr2:214,728,688, A>C on the plus strand (T>G on the coding strand, the complement: BARD1 is on the minus strand). VCF-style: chr2-214728688-A-C. GRCh37 (hg19) VCF-style: chr2-215593412-A-C.
Other names: c.2265T>G, p.Pro755= (NM_001282543.2); c.969T>G, p.Pro323= (NM_001282545.2); c.912T>G, p.Pro304= (NM_001282548.2); c.783T>G, p.Pro261= (NM_001282549.2).
Identifiers: ClinVar variation 3231793 (VCV003231793.2), dbSNP rs2469266845, ClinGen allele CA431392371.